The following is an entry in ClinVar:

ClinVar aggregate classification (germline): Conflicting classifications of pathogenicity. Review status: criteria provided, conflicting classifications (1 of 4 stars). 4 submissions from 4 submitters: Uncertain significance (2); Likely benign (1). 1 of the submissions does not count toward it. Last evaluated 2026-01-28.

Conditions:
Inborn genetic diseases. Identifiers: MedGen C0950123, MeSH D030342.
LAMA3-related disorder. Also called: LAMA3-related disorders; LAMA3-related condition.

Allele frequency attached by ClinVar (database versions not stated): gnomAD exomes 0.00019 and 0.00038; 1000 Genomes Project 0.00020; ExAC 0.00029; 1000 Genomes Project 30x 0.00031; ESP Exome Variant Server 0.00031; gnomAD 0.00039 and 0.00042; TOPMed 0.00049.
gnomAD v4.1: 357 of 1,613,544 alleles (0.022%); highest among the groups gnomAD compares: Admixed American, 0.078%; 1 homozygote.

Submissions (4):

Labcorp Genetics (formerly Invitae), Labcorp
Classification: Likely benign. Last evaluated: 2026-01-28. Review status: criteria provided, single submitter. Criteria: Invitae Variant Classification Sherloc (09022015). Collection method: clinical testing. Allele origin: germline.

Ambry Genetics
Classification: Uncertain significance for Inborn genetic diseases. Last evaluated: 2023-12-18. Review status: criteria provided, single submitter. Criteria: Ambry Variant Classification Scheme 2023. Collection method: clinical testing. Allele origin: germline.

CeGaT Center for Human Genetics Tuebingen
Classification: Uncertain significance. Last evaluated: 2017-01-01. Review status: criteria provided, single submitter. Criteria: CeGaT Center For Human Genetics Tuebingen Variant Classification Criteria Version 2. Collection method: clinical testing. Allele origin: germline. Affected: yes. Observed: 1 variant allele.

PreventionGenetics, part of Exact Sciences
Classification: Likely benign for LAMA3-related condition. Last evaluated: 2024-07-24. Review status: no assertion criteria provided. Collection method: clinical testing. Allele origin: germline. Not counted in ClinVar's aggregate classification.
Comment: This variant is classified as likely benign based on ACMG/AMP sequence variant interpretation guidelines (Richards et al. 2015 PMID: 25741868, with internal and published modifications).

NM_198129.4(LAMA3):c.8069A>G (p.Gln2690Arg)

Gene: LAMA3 (laminin subunit alpha 3; plus strand). Cytogenetic location: 18q11.2.
Variant type: single nucleotide variant.
Coding change: c.8069A>G on transcript NM_198129.4 (MANE Select); coding-DNA position 8069, A replaced by G.
Protein change: p.Gln2690Arg; replaces glutamine 2690 with arginine.
Molecular consequence: missense variant.
Genome position (GRCh38, 1-based): chr18:23,921,477, A>G. VCF-style: chr18-23921477-A-G. GRCh37 (hg19) VCF-style: chr18-21501441-A-G.
Other names: c.3242A>G (NM_000227.3); c.3242A>G, p.Gln1081Arg (NM_000227.6); c.7901A>G, p.Gln2634Arg (NM_001127717.4); c.3074A>G, p.Gln1025Arg (NM_001127718.4); short protein forms Q1025R, Q1081R, Q2634R, Q2690R.
Identifiers: ClinVar variation 742617 (VCV000742617.54), dbSNP rs147208526, ClinGen allele CA8916827.
Genomic context (GRCh38, chr18:23,921,477, plus strand): 5'-CGCTGGCTTGCTGATTCATCTCTCATTTATTTCAGATTCAGATCAAAATTGGAAAACTCC[A>G]AAAGCGTATGTGGATAAATGTGGACGTTCAAAACACTATAATTGATGGTGAAGTATTTGA-3'
Protein context (NP_937762.2, residues 2680-2700): HSIQIKIGKL[Gln2690Arg]KRMWINVDVQ